The following is an entry in ClinVar:

NM_000159.4(GCDH):c.169G>A (p.Glu57Lys)

Genes: GCDH (glutaryl-CoA dehydrogenase; plus strand), LOC117125594 (CRISPRi-FlowFISH-validated KLF1 regulatory element; plus strand). Cytogenetic location: 19p13.13.
Variant type: single nucleotide variant.
Coding change: c.169G>A on transcript NM_000159.4 (MANE Select); coding-DNA position 169, G replaced by A.
Protein change: p.Glu57Lys; replaces glutamic acid 57 with lysine.
Molecular consequence: missense variant. On other transcripts: non-coding transcript variant (2).
Genome position (GRCh38, 1-based): chr19:12,891,872, G>A. VCF-style: chr19-12891872-G-A. GRCh37 (hg19) VCF-style: chr19-13002686-G-A.
Other names: c.169G>A, p.Glu57Lys (NM_013976.5); c.169G>A (NM_000159.3); short protein forms E57K.
Identifiers: ClinVar variation 2691713 (VCV002691713.6), dbSNP rs776643576, ClinGen allele CA9234269.

ClinVar aggregate classification (germline): Conflicting classifications of pathogenicity. Review status: criteria provided, conflicting classifications (1 of 4 stars). 3 submissions from 3 submitters: Pathogenic (1); Likely pathogenic (1); Uncertain significance (1). Last evaluated 2025-09-22.

Conditions:
Glutaric aciduria, type 1. Also called: Glutaricaciduria, type I; Glutaryl-CoA dehydrogenase deficiency; Glutaric acidemia type I; Glutaric Acidemia Type 1; GA I; Glutaricacidemia Type 1. Identifiers: Orphanet 25, MedGen C0268595, MONDO:0009281, OMIM 231670.

Allele frequency attached by ClinVar (database versions not stated): gnomAD exomes below 0.00001; ExAC 0.00001.
gnomAD v4.1: 2 of 1,614,112 alleles (0.00012%); highest among the groups gnomAD compares: South Asian, 0.0022%; no homozygotes.

Submissions (3):

Natera, Inc.
Classification: Likely pathogenic for Glutaric acidemia type 1. Last evaluated: 2025-09-22. Review status: criteria provided, single submitter. Criteria: Natera Variant Classification Schema (03/2026). Collection method: clinical testing. Allele origin: germline.
Comment: The c.169G>A variant in GCDH is a missense variant predicted to cause substitution of glutamic acid to lysine at amino acid 57. This variant is rare in the general population with a frequency below the threshold expected for the associated phenotype(s). This variant has been observed in one or more individuals affected with the associated recessive disease, as either homozygous or compound heterozygous with a second variant (PMID: 32777384, 36544340, 35662016). Given the available evidence, this variant is classified as Likely Pathogenic.

Women's Health and Genetics/Laboratory Corporation of America, LabCorp
Classification: Uncertain significance. Last evaluated: 2025-06-25. Review status: criteria provided, single submitter. Criteria: LabCorp Variant Classification Summary - May 2015. Collection method: clinical testing. Allele origin: germline.
Comment: Variant summary: GCDH c.169G>A (p.Glu57Lys) results in a conservative amino acid change in the encoded protein sequence. Algorithms developed to predict the effect of missense changes on protein structure and function are either unavailable or do not agree on the potential impact of this missense change. The variant allele was found at a frequency of 4e-06 in 251036 control chromosomes. c.169G>A has been reported in the literature in individuals affected with Glutaric Acidemia Type 1 who were reported as compound heterozygous with other pathogenic/likely pathogenic variants (Gurbuz_2020, Kim_2023). These data indicate that the variant may be associated with disease. To our knowledge, no experimental evidence demonstrating an impact on protein function has been reported. The following publications have been ascertained in the context of this evaluation (PMID: 32777384, 36544340). ClinVar contains an entry for this variant (Variation ID: 2691713). Based on the evidence outlined above, the variant was classified as VUS-possibly pathogenic.

Labcorp Genetics (formerly Invitae), Labcorp
Classification: Pathogenic for Glutaric aciduria, type 1. Last evaluated: 2023-06-05. Review status: criteria provided, single submitter. Criteria: Invitae Variant Classification Sherloc (09022015). Collection method: clinical testing. Allele origin: germline.
Comment: This sequence change replaces glutamic acid, which is acidic and polar, with lysine, which is basic and polar, at codon 57 of the GCDH protein (p.Glu57Lys). This variant is present in population databases (rs776643576, gnomAD 0.003%). This missense change has been observed in individual(s) with glutaric aciduria type I (PMID: 32777384, 35662016). Advanced modeling of protein sequence and biophysical properties (such as structural, functional, and spatial information, amino acid conservation, physicochemical variation, residue mobility, and thermodynamic stability) performed at Invitae indicates that this missense variant is expected to disrupt GCDH protein function. For these reasons, this variant has been classified as Pathogenic.

Literature cited by the submitters: PubMed 32777384 (cited by 3 submitters); PubMed 36544340 (cited by Natera, Inc. and Women's Health and Genetics/Laboratory Corporation of America, LabCorp); PubMed 35662016 (cited by Natera, Inc. and Labcorp Genetics (formerly Invitae), Labcorp); PubMed 37020324 (cited by Women's Health and Genetics/Laboratory Corporation of America, LabCorp).